The following is an entry in ClinVar:

ClinVar aggregate classification (germline): Uncertain significance (1 of 4 stars; one submission).

Conditions:
Cardiovascular phenotype. Identifiers: MedGen CN230736.

gnomAD v4.1: 1 of 1,549,582 alleles (0.000065%); highest among the groups gnomAD compares: Non-Finnish European, 0.000087%; no homozygotes.

Submission:

Ambry Genetics
Classification: Uncertain significance for Cardiovascular phenotype. Last evaluated: 2025-09-28. Review status: criteria provided, single submitter. Criteria: Ambry Variant Classification Scheme 2023. Collection method: clinical testing. Allele origin: germline.
Comment: The p.G843R variant (also known as c.2527G>A), located in coding exon 17 of the TRPM4 gene, results from a G to A substitution at nucleotide position 2527. The glycine at codon 843 is replaced by arginine, an amino acid with dissimilar properties. This amino acid position is conserved. In addition, this alteration is predicted to be tolerated by in silico analysis. Based on the available evidence, the clinical significance of this variant remains unclear.

NM_017636.4(TRPM4):c.2527G>A (p.Gly843Arg)

Gene: TRPM4 (transient receptor potential cation channel subfamily M member 4; plus strand). Cytogenetic location: 19q13.33.
Variant type: single nucleotide variant.
Coding change: c.2527G>A on transcript NM_017636.4 (MANE Select); coding-DNA position 2527, G replaced by A.
Protein change: p.Gly843Arg; replaces glycine 843 with arginine.
Molecular consequence: missense variant. On other transcripts: intron variant (1).
Genome position (GRCh38, 1-based): chr19:49,196,756, G>A. VCF-style: chr19-49196756-G-A. GRCh37 (hg19) VCF-style: chr19-49700013-G-A.
Other names: c.2182G>A, p.Gly728Arg (NM_001321281.2); c.919G>A, p.Gly307Arg (NM_001321282.2); c.2005G>A, p.Gly669Arg (NM_001321283.2); c.1465G>A, p.Gly489Arg (NM_001321285.2); c.2211-3544G>A (NM_001195227.2); short protein forms G307R, G669R, G843R, G489R, G728R.
Identifiers: ClinVar variation 4615255 (VCV004615255.1).
Genomic context (GRCh38, chr19:49,196,756, plus strand): 5'-ACGCTGCTGTGCGAGGAACTGCGCCAGGGCCTGAGCGGAGGCGGGGGCAGCCTCGCCAGC[G>A]GGGGCCCCGGGCCTGGCCATGCCTCACTGAGCCAGCGCCTGCGCCTCTACCTCGCCGACA-3'
Protein context (NP_060106.2, residues 833-853): LSGGGGSLAS[Gly843Arg]GPGPGHASLS